The following is an entry in ClinVar:

NM_001943.5(DSG2):c.439A>G (p.Ile147Val)

Gene: DSG2 (desmoglein 2; plus strand). Cytogenetic location: 18q12.1.
Variant type: single nucleotide variant.
Coding change: c.439A>G on transcript NM_001943.5 (MANE Select); coding-DNA position 439, A replaced by G.
Protein change: p.Ile147Val; replaces isoleucine 147 with valine.
Molecular consequence: missense variant.
Genome position (GRCh38, 1-based): chr18:31,521,159, A>G. VCF-style: chr18-31521159-A-G. GRCh37 (hg19) VCF-style: chr18-29101122-A-G.
Other names: short protein forms I147V.
Identifiers: ClinVar variation 1019244 (VCV001019244.8), dbSNP rs1316807839, ClinGen allele CA402132088.

ClinVar aggregate classification (germline): Uncertain significance (1 of 4 stars; one submission).

Conditions:
Arrhythmogenic right ventricular dysplasia 10. Also called: Arrhythmogenic Right Ventricular Dysplasia/Cardiomyopathy10; ARRHYTHMOGENIC RIGHT VENTRICULAR DYSPLASIA, FAMILIAL, 10; Arrhythmogenic right ventricular dysplasia/cardiomyopathy, type 10. Identifiers: MedGen C1857777, MONDO:0012434, OMIM 610193.

Allele frequency attached by ClinVar (database versions not stated): gnomAD exomes below 0.00001.
gnomAD v4.1: 2 of 1,613,860 alleles (0.00012%); highest among the groups gnomAD compares: African/African-American, 0.0013%; no homozygotes.

Submission:

Labcorp Genetics (formerly Invitae), Labcorp
Classification: Uncertain significance for Arrhythmogenic right ventricular dysplasia 10. Last evaluated: 2022-09-07. Review status: criteria provided, single submitter. Criteria: Invitae Variant Classification Sherloc (09022015). Collection method: clinical testing. Allele origin: germline.
Comment: This variant is present in population databases (no rsID available, gnomAD no frequency). In summary, the available evidence is currently insufficient to determine the role of this variant in disease. Therefore, it has been classified as a Variant of Uncertain Significance. Algorithms developed to predict the effect of missense changes on protein structure and function output the following: SIFT: "Tolerated"; PolyPhen-2: "Benign"; Align-GVGD: "Class C0". The valine amino acid residue is found in multiple mammalian species, which suggests that this missense change does not adversely affect protein function. ClinVar contains an entry for this variant (Variation ID: 1019244). This variant has not been reported in the literature in individuals affected with DSG2-related conditions. This sequence change replaces isoleucine, which is neutral and non-polar, with valine, which is neutral and non-polar, at codon 147 of the DSG2 protein (p.Ile147Val).